The following is an entry in ClinVar:

ClinVar aggregate classification (germline): Uncertain significance (1 of 4 stars; one submission).

Submission:

Labcorp Genetics (formerly Invitae), Labcorp
Classification: Uncertain significance. Last evaluated: 2024-11-04. Review status: criteria provided, single submitter. Criteria: Invitae Variant Classification Sherloc (09022015). Collection method: clinical testing. Allele origin: germline.
Comment: This sequence change replaces threonine, which is neutral and polar, with alanine, which is neutral and non-polar, at codon 1145 of the ZSWIM6 protein (p.Thr1145Ala). This variant is not present in population databases (gnomAD no frequency). This variant has not been reported in the literature in individuals affected with ZSWIM6-related conditions. Invitae Evidence Modeling of protein sequence and biophysical properties (such as structural, functional, and spatial information, amino acid conservation, physicochemical variation, residue mobility, and thermodynamic stability) indicates that this missense variant is not expected to disrupt ZSWIM6 protein function with a negative predictive value of 80%. In summary, the available evidence is currently insufficient to determine the role of this variant in disease. Therefore, it has been classified as a Variant of Uncertain Significance.

NM_020928.2(ZSWIM6):c.3433A>G (p.Thr1145Ala)

Gene: ZSWIM6 (zinc finger SWIM-type containing 6; plus strand). Cytogenetic location: 5q12.1.
Variant type: single nucleotide variant.
Coding change: c.3433A>G on transcript NM_020928.2 (MANE Select); coding-DNA position 3433, A replaced by G.
Protein change: p.Thr1145Ala; replaces threonine 1145 with alanine.
Molecular consequence: missense variant.
Genome position (GRCh38, 1-based): chr5:61,544,102, A>G. VCF-style: chr5-61544102-A-G. GRCh37 (hg19) VCF-style: chr5-60839929-A-G.
Other names: short protein forms T1145A.
Identifiers: ClinVar variation 3699598 (VCV003699598.2).